The following is an entry in ClinVar:

NM_018685.5(ANLN):c.796G>A (p.Asp266Asn)

Gene: ANLN (anillin, actin binding protein; plus strand). Cytogenetic location: 7p14.2.
Variant type: single nucleotide variant.
Coding change: c.796G>A on transcript NM_018685.5 (MANE Select); coding-DNA position 796, G replaced by A.
Protein change: p.Asp266Asn; replaces aspartic acid 266 with asparagine.
Molecular consequence: missense variant.
Genome position (GRCh38, 1-based): chr7:36,406,489, G>A. VCF-style: chr7-36406489-G-A. GRCh37 (hg19) VCF-style: chr7-36446098-G-A.
Other names: c.796G>A (NM_018685.2); c.796G>A, p.Asp266Asn (NM_001284301.3, NM_001284302.3); short protein forms D266N.
Identifiers: ClinVar variation 1905314 (VCV001905314.6), dbSNP rs923512260, ClinGen allele CA157082697.

ClinVar aggregate classification (germline): Uncertain significance. Review status: criteria provided, multiple submitters, no conflicts (2 of 4 stars). 2 submissions from 2 submitters: Uncertain significance (2). Last evaluated 2024-12-04.

Allele frequency attached by ClinVar (database versions not stated): TOPMed 0.00003.
gnomAD v4.1: 13 of 1,593,846 alleles (0.00082%); highest among the groups gnomAD compares: Middle Eastern, 0.034%; no homozygotes.

Submissions (2):

Ambry Genetics
Classification: Uncertain significance. Last evaluated: 2024-12-04. Review status: criteria provided, single submitter. Criteria: Ambry Variant Classification Scheme 2023. Collection method: clinical testing. Allele origin: germline.

Labcorp Genetics (formerly Invitae), Labcorp
Classification: Uncertain significance. Last evaluated: 2023-06-20. Review status: criteria provided, single submitter. Criteria: Invitae Variant Classification Sherloc (09022015). Collection method: clinical testing. Allele origin: germline.
Comment: In summary, the available evidence is currently insufficient to determine the role of this variant in disease. Therefore, it has been classified as a Variant of Uncertain Significance. Advanced modeling of protein sequence and biophysical properties (such as structural, functional, and spatial information, amino acid conservation, physicochemical variation, residue mobility, and thermodynamic stability) performed at Invitae indicates that this missense variant is not expected to disrupt ANLN protein function. ClinVar contains an entry for this variant (Variation ID: 1905314). This variant has not been reported in the literature in individuals affected with ANLN-related conditions. The frequency data for this variant in the population databases is considered unreliable, as metrics indicate poor data quality at this position in the gnomAD database. This sequence change replaces aspartic acid, which is acidic and polar, with asparagine, which is neutral and polar, at codon 266 of the ANLN protein (p.Asp266Asn).